The following is an entry in ClinVar:

NM_000186.4(CFH):c.1978A>C (p.Asn660His)

Gene: CFH (complement factor H; plus strand). Cytogenetic location: 1q31.3.
Variant type: single nucleotide variant.
Coding change: c.1978A>C on transcript NM_000186.4 (MANE Select); coding-DNA position 1978, A replaced by C.
Protein change: p.Asn660His; replaces asparagine 660 with histidine.
Molecular consequence: missense variant.
Genome position (GRCh38, 1-based): chr1:196,726,574, A>C. VCF-style: chr1-196726574-A-C. GRCh37 (hg19) VCF-style: chr1-196695704-A-C.
Other names: short protein forms N660H.
Identifiers: ClinVar variation 3143793 (VCV003143793.2), dbSNP rs2529503661, ClinGen allele CA343987954.

ClinVar aggregate classification (germline): Uncertain significance. Review status: criteria provided, multiple submitters, no conflicts (2 of 4 stars). 2 submissions from 2 submitters: Uncertain significance (2). Last evaluated 2025-02-20.

Conditions:
Inborn genetic diseases. Identifiers: MedGen C0950123, MeSH D030342.

Allele frequency attached by ClinVar (database versions not stated): gnomAD exomes below 0.00001.
gnomAD v4.1: 1 of 1,612,832 alleles (0.000062%); highest among the groups gnomAD compares: Non-Finnish European, 0.000085%; no homozygotes.

Submissions (2):

Labcorp Genetics (formerly Invitae), Labcorp
Classification: Uncertain significance. Last evaluated: 2025-02-20. Review status: criteria provided, single submitter. Criteria: Invitae Variant Classification Sherloc (09022015). Collection method: clinical testing. Allele origin: germline.
Comment: This sequence change replaces asparagine, which is neutral and polar, with histidine, which is basic and polar, at codon 660 of the CFH protein (p.Asn660His). This variant is not present in population databases (gnomAD no frequency). This variant has not been reported in the literature in individuals affected with CFH-related conditions. ClinVar contains an entry for this variant (Variation ID: 3143793). An algorithm developed to predict the effect of missense changes on protein structure and function outputs the following: PolyPhen-2: "Benign". The histidine amino acid residue is found in multiple mammalian species, which suggests that this missense change does not adversely affect protein function. In summary, the available evidence is currently insufficient to determine the role of this variant in disease. Therefore, it has been classified as a Variant of Uncertain Significance.

Ambry Genetics
Classification: Uncertain significance for Inborn genetic diseases. Last evaluated: 2024-01-12. Review status: criteria provided, single submitter. Criteria: Ambry Variant Classification Scheme 2023. Collection method: clinical testing. Allele origin: germline.